The following is an entry in ClinVar:

ClinVar aggregate classification (germline): Pathogenic (1 of 4 stars; one submission).

Conditions:
Autosomal dominant hypocalcemia 1 (HYPOC1). Also called: HYPOCALCEMIA, FAMILIAL. Identifiers: MedGen C3715128, MONDO:0011013, OMIM 601198.
Familial hypocalciuric hypercalcemia (FHH). Also called: Familial benign hypercalcemia. Identifiers: Orphanet 405, MedGen C1809471, MONDO:0018458.

Submission:

Labcorp Genetics (formerly Invitae), Labcorp
Classification: Pathogenic for Familial hypocalciuric hypercalcemia; Autosomal dominant hypocalcemia 1. Last evaluated: 2023-10-24. Review status: criteria provided, single submitter. Criteria: Invitae Variant Classification Sherloc (09022015). Collection method: clinical testing. Allele origin: germline.
Comment: This sequence change affects a splice site in intron 6 of the CASR gene. While this variant is not anticipated to result in nonsense mediated decay, it likely alters RNA splicing and results in a disrupted protein product. Information on the frequency of this variant in the gnomAD database is not available, as this variant may be reported differently in the database. This variant has not been reported in the literature in individuals affected with CASR-related conditions. Variants that disrupt the consensus splice site are a relatively common cause of aberrant splicing (PMID: 17576681, 9536098). This variant disrupts a region of the CASR protein in which other variant(s) (p.Arg886Pro) have been determined to be pathogenic (PMID: 11807402, 20798521). This suggests that this is a clinically significant region of the protein, and that variants that disrupt it are likely to be disease-causing. For these reasons, this variant has been classified as Pathogenic.

Literature cited by the submitters: PubMed 17576681; PubMed 9536098; PubMed 11807402; PubMed 20798521.

NM_000388.4(CASR):c.1732+1_1732+10delinsTG

Gene: CASR (calcium sensing receptor; plus strand). Cytogenetic location: 3q21.1.
Variant type: Indel.
Coding change: c.1732+1_1732+10delinsTG on transcript NM_000388.4 (MANE Select); the canonical splice donor site of the intron after coding-DNA position 1732 through 10 bases into the intron after coding-DNA position 1732, GTAAGGGAAC replaced by TG.
Molecular consequence: splice donor variant.
Genome position (GRCh38, 1-based): chr3:122,282,237-122,282,246, GTAAGGGAAC replaced by TG. VCF-style: chr3-122282237-GTAAGGGAAC-TG. GRCh37 (hg19) VCF-style: chr3-122001084-GTAAGGGAAC-TG.
Other names: c.1762+1_1762+10delinsTG (NM_001178065.2).
Identifiers: ClinVar variation 410359 (VCV000410359.4), dbSNP rs1064792970, ClinGen allele CA16611093.